The following is an entry in ClinVar:

ClinVar aggregate classification (germline): Uncertain significance (1 of 4 stars; one submission).

Submission:

Ambry Genetics
Classification: Uncertain significance. Last evaluated: 2023-04-19. Review status: criteria provided, single submitter. Criteria: Ambry Variant Classification Scheme 2023. Collection method: clinical testing. Allele origin: germline.
Comment: The p.C1122R variant (also known as c.3364T>C), located in coding exon 16 of the POLQ gene, results from a T to C substitution at nucleotide position 3364. The cysteine at codon 1122 is replaced by arginine, an amino acid with highly dissimilar properties. This amino acid position is conserved. In addition, this alteration is predicted to be tolerated by in silico analysis. Since supporting evidence is limited at this time, the clinical significance of this alteration remains unclear.

NM_199420.4(POLQ):c.3364T>C (p.Cys1122Arg)

Gene: POLQ (DNA polymerase theta; minus strand). Cytogenetic location: 3q13.33.
Variant type: single nucleotide variant.
Coding change: c.3364T>C on transcript NM_199420.4 (MANE Select); coding-DNA position 3364, T replaced by C.
Protein change: p.Cys1122Arg; replaces cysteine 1122 with arginine.
Molecular consequence: missense variant.
Genome position (GRCh38, 1-based): chr3:121,489,567, A>G on the plus strand (T>C on the coding strand, the complement: POLQ is on the minus strand). VCF-style: chr3-121489567-A-G. GRCh37 (hg19) VCF-style: chr3-121208414-A-G.
Other names: short protein forms C1122R.
Identifiers: ClinVar variation 2563803 (VCV002563803.2), dbSNP rs2546787469, ClinGen allele CA354100437.
Genomic context (GRCh38, chr3:121,489,567, plus strand): 5'-GAGATCCTGTGACAATATGCTCCACAAAATTATCATTAGTTAGTGTTATGTTCCATGAAC[A>G]ATTTTGCTTTATTTGTAATGGGAATGATGTTTTATTATCTTTTTCCTTACCACTCAAAGA-3'
Protein context (NP_955452.3, residues 1112-1132): TSFPLQIKQN[Cys1122Arg]SWNITLTNDN